The following is an entry in ClinVar:

NM_001393769.1(MED12L):c.4328_4329delinsTT (p.Arg1443Leu)

Genes: MED12L (mediator complex subunit 12L; plus strand), P2RY12 (purinergic receptor P2Y12; minus strand). Cytogenetic location: 3q25.1.
Variant type: Indel.
Coding change: c.4328_4329delinsTT on transcript NM_001393769.1 (MANE Select); coding-DNA positions 4328 to 4329, GC replaced by TT.
Protein change: p.Arg1443Leu; replaces arginine 1443 with leucine.
Molecular consequence: missense variant. On other transcripts: intron variant (1).
Genome position (GRCh38, 1-based): chr3:151,378,023-151,378,024, GC replaced by TT. VCF-style: chr3-151378023-GC-TT. GRCh37 (hg19) VCF-style: chr3-151095811-GC-TT.
Other names: c.4223_4224delinsTT, p.Arg1408Leu (NM_053002.6); c.-180+6668_-180+6669delinsAA (NM_022788.5); short protein forms R1408L, R1443L.
Identifiers: ClinVar variation 3392804 (VCV003392804.1).
Genomic context (GRCh38, chr3:151,378,023, plus strand): 5'-GCAGGGGAAAGGATGCTTTCTCCGGTGTAACACCTGTTTCTGATTTTAGTTCCTCCGAAC[GC>TT]AGGGGTGTATGGTTGGTGGCCCCCCTCATCGCCAGGTTGCCAACTTCTGTGCAAGGAAGA-3'
Protein context (NP_001380698.1, residues 1433-1453): GIKTFLSSSE[Arg1443Leu]RGVWLVAPLI

ClinVar aggregate classification (germline): Uncertain significance (1 of 4 stars; one submission).

Submission:

GeneDx
Classification: Uncertain significance. Last evaluated: 2024-06-21. Review status: criteria provided, single submitter. Criteria: GeneDx Variant Classification Process June 2021. Collection method: clinical testing. Allele origin: germline. Affected: yes.
Comment: Not observed at significant frequency in large population cohorts (gnomAD); In silico analysis supports a deleterious effect on protein structure/function; Has not been previously published as pathogenic or benign to our knowledge